The following is an entry in ClinVar:

ClinVar aggregate classification (germline): Uncertain significance. Review status: criteria provided, multiple submitters, no conflicts (2 of 4 stars). 3 submissions from 3 submitters: Uncertain significance (3). Last evaluated 2023-12-16.

Conditions:
Inborn genetic diseases. Identifiers: MedGen C0950123, MeSH D030342.

Allele frequency attached by ClinVar (database versions not stated): gnomAD 0.00001; gnomAD exomes 0.00002 and 0.00003; ExAC 0.00003; TOPMed 0.00008.
gnomAD v4.1: 20 of 1,126,784 alleles (0.0018%); highest among the groups gnomAD compares: Admixed American, 0.024%; no homozygotes.

Submissions (3):

Ambry Genetics
Classification: Uncertain significance for Inborn genetic diseases. Last evaluated: 2023-12-16. Review status: criteria provided, single submitter. Criteria: Ambry Variant Classification Scheme 2023. Collection method: clinical testing. Allele origin: germline.

GeneDx
Classification: Uncertain significance. Last evaluated: 2023-05-08. Review status: criteria provided, single submitter. Criteria: GeneDx Variant Classification Process June 2021. Collection method: clinical testing. Allele origin: germline. Affected: yes.
Comment: Not observed at significant frequency in large population cohorts (gnomAD); In silico analysis supports that this missense variant does not alter protein structure/function; Has not been previously published as pathogenic or benign to our knowledge

Labcorp Genetics (formerly Invitae), Labcorp
Classification: Uncertain significance. Last evaluated: 2022-08-12. Review status: criteria provided, single submitter. Criteria: Invitae Variant Classification Sherloc (09022015). Collection method: clinical testing. Allele origin: germline.
Comment: This sequence change replaces phenylalanine, which is neutral and non-polar, with leucine, which is neutral and non-polar, at codon 241 of the RTTN protein (p.Phe241Leu). This variant is present in population databases (rs2365902, gnomAD 0.01%). This variant has not been reported in the literature in individuals affected with RTTN-related conditions. ClinVar contains an entry for this variant (Variation ID: 1419187). Algorithms developed to predict the effect of missense changes on protein structure and function are either unavailable or do not agree on the potential impact of this missense change (SIFT: "Deleterious"; PolyPhen-2: "Benign"; Align-GVGD: "Class C0"). Algorithms developed to predict the effect of sequence changes on RNA splicing suggest that this variant may create or strengthen a splice site. In summary, the available evidence is currently insufficient to determine the role of this variant in disease. Therefore, it has been classified as a Variant of Uncertain Significance.

NM_173630.4(RTTN):c.723T>A (p.Phe241Leu)

Gene: RTTN (rotatin; minus strand). Cytogenetic location: 18q22.2.
Variant type: single nucleotide variant.
Coding change: c.723T>A on transcript NM_173630.4 (MANE Select); coding-DNA position 723, T replaced by A.
Protein change: p.Phe241Leu; replaces phenylalanine 241 with leucine.
Molecular consequence: missense variant. On other transcripts: 5 prime UTR variant (1).
Genome position (GRCh38, 1-based): chr18:70,196,619, A>T on the plus strand (T>A on the coding strand, the complement: RTTN is on the minus strand). VCF-style: chr18-70196619-A-T. GRCh37 (hg19) VCF-style: chr18-67863855-A-T.
Other names: c.-1831T>A (NM_001318520.2); c.723T>A (NM_173630.3); short protein forms F241L.
Identifiers: ClinVar variation 1419187 (VCV001419187.6), dbSNP rs2365902, ClinGen allele CA8996381.
Genomic context (GRCh38, chr18:70,196,619, plus strand): 5'-CATGCACAGCTGCTGCAGGCAGGACACCGACTGTAATGCCAGGCGATGCTTTCCATCTCC[A>T]AAGGCCAGTTTCAACAGAGATAAAAGGCTCTGAAATCAAGAAGAGCCGTGAAAATTACTA-3'
Protein context (NP_775901.3, residues 231-251): QSLLSLLKLA[Phe241Leu]GDGKHRLALQ